The following is an entry in ClinVar:

ClinVar aggregate classification (germline): Uncertain significance. Review status: criteria provided, multiple submitters, no conflicts (2 of 4 stars). 2 submissions from 2 submitters: Uncertain significance (2). Last evaluated 2026-08-06.

Conditions:
Neurodevelopmental disorder with motor and language delay, ocular defects, and brain abnormalities (NEDMLOB). Identifiers: MedGen C5830596, MONDO:0957386, OMIM 620428.

Allele frequency attached by ClinVar (database versions not stated): ESP Exome Variant Server 0.00046.
gnomAD v4.1: 60 of 1,592,248 alleles (0.0038%); highest among the groups gnomAD compares: African/African-American, 0.06%; no homozygotes.

Submissions (2):

OLLIN Analises Genomicas, OLLIN
Classification: Uncertain significance for Neurodevelopmental disorder with motor and language delay, ocular defects, and brain abnormalities. Last evaluated: 2026-08-06. Review status: criteria provided, single submitter. Criteria: ACMG Guidelines 2015 PMID 25741868. Collection method: clinical testing. Allele origin: germline. Inheritance: Autosomal recessive inheritance.
Comment: This missense variant, located in exon 13 (of 17), has been reported in ClinVar (accession VCV003110085.2) and in gnomAD with an allele frequency of 0.0038%. However, to our knowledge, it has not been reported in the scientific literature. In silico analysis predicts that this variant has a tolerated effect. According to the currently available evidence, this variant has been classified as uncertain significance (PM2_P, BP4_M).

Ambry Genetics
Classification: Uncertain significance. Last evaluated: 2024-11-08. Review status: criteria provided, single submitter. Criteria: Ambry Variant Classification Scheme 2023. Collection method: clinical testing. Allele origin: germline.

NM_017871.6(INTS11):c.1297G>C (p.Val433Leu)

Gene: INTS11 (integrator complex subunit 11; minus strand). Cytogenetic location: 1p36.33.
Variant type: single nucleotide variant.
Coding change: c.1297G>C on transcript NM_017871.6 (MANE Select); coding-DNA position 1297, G replaced by C.
Protein change: p.Val433Leu; replaces valine 433 with leucine.
Molecular consequence: missense variant.
Genome position (GRCh38, 1-based): chr1:1,312,698, C>G on the plus strand (G>C on the coding strand, the complement: INTS11 is on the minus strand). VCF-style: chr1-1312698-C-G. GRCh37 (hg19) VCF-style: chr1-1248078-C-G.
Other names: c.1315G>C, p.Val439Leu (NM_001256456.2); c.1210G>C, p.Val404Leu (NM_001256460.2); c.1003G>C, p.Val335Leu (NM_001256462.2); c.994G>C, p.Val332Leu (NM_001256463.2); short protein forms V335L, V404L, V433L, V332L, V439L.
Identifiers: ClinVar variation 3110085 (VCV003110085.3), dbSNP rs371662193, ClinGen allele CA517449.